The following is an entry in ClinVar:

NM_005535.3(IL12RB1):c.783+6G>C

Gene: IL12RB1 (interleukin 12 receptor subunit beta 1; minus strand). Cytogenetic location: 19p13.11.
Variant type: single nucleotide variant.
Coding change: c.783+6G>C on transcript NM_005535.3 (MANE Select); 6 bases into the intron after coding-DNA position 783, G replaced by C.
Molecular consequence: intron variant.
Genome position (GRCh38, 1-based): chr19:18,073,511, C>G on the plus strand (G>C on the coding strand, the complement: IL12RB1 is on the minus strand). VCF-style: chr19-18073511-C-G. GRCh37 (hg19) VCF-style: chr19-18184321-C-G.
Other names: c.903+6G>C (NM_001290024.2, NM_001440427.1); c.783+6G>C (NM_001290023.2, NM_153701.3); c.804+6G>C (NM_001440425.1, NM_001440424.1); c.924+6G>C (NM_001440426.1).
Identifiers: ClinVar variation 1500079 (VCV001500079.7), dbSNP rs370669239, ClinGen allele CA9305076.
Genomic context (GRCh38, chr19:18,073,511, plus strand): 5'-CGCCTAGGCTTTTGCCTCCTGCTCCCCATCCCAGGCCACCCCACAGCCCTGTGACAGCCC[C>G]GTTACCTGCTCTTTCAGGGTCAGCCGCCTCCTCCCATCCTGGCCCAGCTGCTCCACCGAG-3'

ClinVar aggregate classification (germline): Uncertain significance. Review status: criteria provided, multiple submitters, no conflicts (2 of 4 stars). 2 submissions from 2 submitters: Uncertain significance (2). Last evaluated 2025-11-24.

Conditions:
Mendelian susceptibility to mycobacterial diseases due to complete IL12RB1 deficiency. Also called: Immunodeficiency 30; IL12RB1 DEFICIENCY. Identifiers: Orphanet 319552, MedGen C4013949, MONDO:0013955, OMIM 614891.

Allele frequency attached by ClinVar (database versions not stated): TOPMed 0.00012; ESP Exome Variant Server 0.00015.
gnomAD v4.1: 34 of 1,587,208 alleles (0.0021%); highest among the groups gnomAD compares: African/African-American, 0.038%; no homozygotes.

Submissions (2):

Labcorp Genetics (formerly Invitae), Labcorp
Classification: Uncertain significance for Mendelian susceptibility to mycobacterial diseases due to complete IL12RB1 deficiency. Last evaluated: 2025-11-24. Review status: criteria provided, single submitter. Criteria: Invitae Variant Classification Sherloc (09022015). Collection method: clinical testing. Allele origin: germline.
Comment: This sequence change falls in intron 8 of the IL12RB1 gene. It does not directly change the encoded amino acid sequence of the IL12RB1 protein. It affects a nucleotide within the consensus splice site. This variant is present in population databases (rs370669239, gnomAD 0.03%). This variant has not been reported in the literature in individuals affected with IL12RB1-related conditions. ClinVar contains an entry for this variant (Variation ID: 1500079). Variants that disrupt the consensus splice site are a relatively common cause of aberrant splicing (PMID: 17576681, 9536098). Algorithms developed to predict the effect of sequence changes on RNA splicing suggest that this variant is not likely to affect RNA splicing. In summary, the available evidence is currently insufficient to determine the role of this variant in disease. Therefore, it has been classified as a Variant of Uncertain Significance.

Blueprint Genetics
Classification: Uncertain significance. Last evaluated: 2022-07-22. Review status: criteria provided, single submitter. Criteria: ACMG Guidelines, 2015. Collection method: clinical testing. Allele origin: germline.

Literature cited by the submitters: PubMed 17576681 (cited by Labcorp Genetics (formerly Invitae), Labcorp); PubMed 9536098 (cited by Labcorp Genetics (formerly Invitae), Labcorp).